The following is an entry in ClinVar:

ClinVar aggregate classification (germline): Uncertain significance (0 of 4 stars; one submission).

Conditions:
Autosomal dominant medullary cystic kidney disease with or without hyperuricemia. Identifiers: Orphanet 34149, MedGen C4511620, MONDO:0008264.

Submission:

Sydney Genome Diagnostics, Children's Hospital Westmead
Classification: Uncertain significance for Autosomal dominant medullary cystic kidney disease with or without hyperuricemia. Last evaluated: 2018-06-07. Review status: no assertion criteria provided. Collection method: clinical testing. Allele origin: unknown. Affected: yes. Observed: 1 variant allele, 1 heterozygote.
Comment: This variant is located within the region of the UMOD gene reported to be a mutational hotspot (Dahan et al 2003 J Am Soc Nephrol 14: 2883-2893). The variant has not been reported in any population databases (i.e. gnomAD, ExAC, ESP or dbSNP). To our knowledge, this variant has not been previously reported in the literature or any disease specific databases. In silico analysis of pathogenicity (through Alamut Visual v2.8.1) using PolyPhen2, SIFT and MutationTaster suggest that this variant is likely to be pathogenic. However, this analysis alone cannot be used to confirm pathogenicity. This variant is considered to be a variant of uncertain clinical significance (VOUS) according to the ACMG guidelines.

NM_003361.4(UMOD):c.768C>G (p.Cys256Trp)

Gene: UMOD (uromodulin; minus strand). Cytogenetic location: 16p12.3.
Variant type: single nucleotide variant.
Coding change: c.768C>G on transcript NM_003361.4 (MANE Select); coding-DNA position 768, C replaced by G.
Protein change: p.Cys256Trp; replaces cysteine 256 with tryptophan.
Molecular consequence: missense variant. On other transcripts: non-coding transcript variant (1).
Genome position (GRCh38, 1-based): chr16:20,348,533, G>C on the plus strand (C>G on the coding strand, the complement: UMOD is on the minus strand). VCF-style: chr16-20348533-G-C. GRCh37 (hg19) VCF-style: chr16-20359855-G-C.
Other names: c.768C>G, p.Cys256Trp (NM_001008389.3, NM_001378232.1, NM_001378233.1 and 3 more transcripts); c.867C>G, p.Cys289Trp (NM_001278614.2); short protein forms C256W, C289W.
Identifiers: ClinVar variation 988207 (VCV000988207.1), dbSNP rs774838407, ClinGen allele CA394984578.